The following is an entry in ClinVar:

ClinVar aggregate classification (germline): Likely benign (1 of 4 stars; one submission).

Allele frequency attached by ClinVar (database versions not stated): TOPMed 0.02647; gnomAD 0.02763 and 0.02814; 1000 Genomes Project 30x 0.02842; 1000 Genomes Project 0.02935.
gnomAD v4.1: 4,324 of 151,518 alleles (2.9%); highest among the groups gnomAD compares: South Asian, 6.8%; 90 homozygotes.

Submission:

GeneDx
Classification: Likely benign. Last evaluated: 2018-06-14. Review status: criteria provided, single submitter. Criteria: GeneDx Variant Classification (06012015). Collection method: clinical testing. Allele origin: germline. Affected: yes.
Comment: This variant is considered likely benign or benign based on one or more of the following criteria: it is a conservative change, it occurs at a poorly conserved position in the protein, it is predicted to be benign by multiple in silico algorithms, and/or has population frequency not consistent with disease.

NM_002474.3(MYH11):c.5787-4998A>G

Genes: MYH11 (myosin heavy chain 11; minus strand), NDE1 (nudE neurodevelopment protein 1; plus strand). Cytogenetic location: 16p13.11.
Variant type: single nucleotide variant.
Coding change: c.5787-4998A>G on transcript NM_002474.3 (MANE Select); 4998 bases into the intron before coding-DNA position 5787, A replaced by G.
Molecular consequence: intron variant.
Genome position (GRCh38, 1-based): chr16:15,709,121, T>C on the plus strand (A>G on the coding strand, the complement: MYH11 is on the minus strand). VCF-style: chr16-15709121-T-C. GRCh37 (hg19) VCF-style: chr16-15802978-T-C.
Other names: c.947+12261T>C (NM_001143979.2, NM_017668.3); c.5787-280A>G (NM_022844.3); c.5808-4998A>G (NM_001040114.2); c.5808-280A>G (NM_001040113.2).
Identifiers: ClinVar variation 671053 (VCV000671053.1), dbSNP rs116441038, ClinGen allele CA15866640.
Genomic context (GRCh38, chr16:15,709,121, plus strand): 5'-GCCTCCCGAGTAGCTGGGATTACAGGCAGGCCCCACGTGCTTGGCTAATTTTTGTATTTT[T>C]AGTACAGATGGGGTTGCACTATGTTGGTCAGGCTTGTCTCCAACTCCTGATGTCAATGAT-3'